The following is an entry in ClinVar:

NM_001085411.3(NADK2):c.886G>A (p.Asp296Asn)

Gene: NADK2 (NAD kinase 2, mitochondrial; minus strand). Cytogenetic location: 5p13.2.
Variant type: single nucleotide variant.
Coding change: c.886G>A on transcript NM_001085411.3 (MANE Select); coding-DNA position 886, G replaced by A.
Protein change: p.Asp296Asn; replaces aspartic acid 296 with asparagine.
Molecular consequence: missense variant.
Genome position (GRCh38, 1-based): chr5:36,207,240, C>T on the plus strand (G>A on the coding strand, the complement: NADK2 is on the minus strand). VCF-style: chr5-36207240-C-T. GRCh37 (hg19) VCF-style: chr5-36207342-C-T.
Other names: c.397G>A, p.Asp133Asn (NM_001287340.2, NM_153013.5); c.463G>A, p.Asp155Asn (NM_001287341.2); short protein forms D155N, D296N, D133N.
Identifiers: ClinVar variation 3711025 (VCV003711025.2).

ClinVar aggregate classification (germline): Uncertain significance (1 of 4 stars; one submission).

Conditions:
Progressive encephalopathy with leukodystrophy due to DECR deficiency. Identifiers: Orphanet 431361, MedGen C1857252, MONDO:0014464, OMIM 616034.

gnomAD v4.1: 1 of 1,612,770 alleles (0.000062%); highest among the groups gnomAD compares: East Asian, 0.0022%; no homozygotes.

Submission:

Labcorp Genetics (formerly Invitae), Labcorp
Classification: Uncertain significance for Progressive encephalopathy with leukodystrophy due to DECR deficiency. Last evaluated: 2024-09-28. Review status: criteria provided, single submitter. Criteria: Invitae Variant Classification Sherloc (09022015). Collection method: clinical testing. Allele origin: germline.
Comment: This sequence change replaces aspartic acid, which is acidic and polar, with asparagine, which is neutral and polar, at codon 296 of the NADK2 protein (p.Asp296Asn). This variant is present in population databases (rs766731261, gnomAD 0.006%). This variant has not been reported in the literature in individuals affected with NADK2-related conditions. Invitae Evidence Modeling of protein sequence and biophysical properties (such as structural, functional, and spatial information, amino acid conservation, physicochemical variation, residue mobility, and thermodynamic stability) indicates that this missense variant is not expected to disrupt NADK2 protein function with a negative predictive value of 80%. In summary, the available evidence is currently insufficient to determine the role of this variant in disease. Therefore, it has been classified as a Variant of Uncertain Significance.